The following is an entry in ClinVar:

ClinVar aggregate classification (germline): Uncertain significance (1 of 4 stars; one submission).

Conditions:
Inborn genetic diseases. Identifiers: MedGen C0950123, MeSH D030342.

Submission:

Ambry Genetics
Classification: Uncertain significance for Inborn genetic diseases. Last evaluated: 2026-07-26. Review status: criteria provided, single submitter. Criteria: Ambry Variant Classification Scheme 2023. Collection method: clinical testing. Allele origin: germline.
Comment: The p.D369G variant (also known as c.1106A>G), located in coding exon 5 of the PIK3CA gene, results from an A to G substitution at nucleotide position 1106. The aspartic acid at codon 369 is replaced by glycine, an amino acid with similar properties. This amino acid position is conserved. In addition, this alteration is predicted to be deleterious by in silico analysis. Based on the available evidence, the clinical significance of this variant remains unclear.

NM_006218.4(PIK3CA):c.1106A>G (p.Asp369Gly)

Gene: PIK3CA (phosphatidylinositol-4,5-bisphosphate 3-kinase catalytic subunit alpha; plus strand). Cytogenetic location: 3q26.32.
Variant type: single nucleotide variant.
Coding change: c.1106A>G on transcript NM_006218.4 (MANE Select); coding-DNA position 1106, A replaced by G.
Protein change: p.Asp369Gly; replaces aspartic acid 369 with glycine.
Molecular consequence: missense variant.
Genome position (GRCh38, 1-based): chr3:179,204,549, A>G. VCF-style: chr3-179204549-A-G. GRCh37 (hg19) VCF-style: chr3-178922337-A-G.
Other names: short protein forms D369G.
Identifiers: ClinVar variation 5026695 (VCV005026695.1).